The following is an entry in ClinVar:

NM_145239.3(PRRT2):c.71G>A (p.Gly24Glu)

Genes: MVP-DT (MVP divergent transcript; minus strand), PRRT2 (proline rich transmembrane protein 2; plus strand). Cytogenetic location: 16p11.2.
Variant type: single nucleotide variant.
Coding change: c.71G>A on transcript NM_145239.3 (MANE Select); coding-DNA position 71, G replaced by A.
Protein change: p.Gly24Glu; replaces glycine 24 with glutamic acid.
Molecular consequence: missense variant.
Genome position (GRCh38, 1-based): chr16:29,813,125, G>A. VCF-style: chr16-29813125-G-A. GRCh37 (hg19) VCF-style: chr16-29824446-G-A.
Other names: c.71G>A (NM_145239.2); c.71G>A, p.Gly24Glu (NM_001256442.2, NM_001256443.2); short protein forms G24E.
Identifiers: ClinVar variation 2146230 (VCV002146230.8), dbSNP rs201267591, ClinGen allele CA280409031.
Genomic context (GRCh38, chr16:29,813,125, plus strand): 5'-GCAGCTCTGAGATCTCTGAGATGAAGGGGGTTGAGGAGAGTCCCAAGGTTCCAGGCGAAG[G>A]GCCTGGCCATTCTGAAGCTGAAACTGGCCCTCCCCAGGTCCTAGCAGGGGTACCAGACCA-3'
Protein context (NP_660282.2, residues 14-34): VEESPKVPGE[Gly24Glu]PGHSEAETGP

ClinVar aggregate classification (germline): Uncertain significance. Review status: criteria provided, multiple submitters, no conflicts (2 of 4 stars). 4 submissions from 4 submitters: Uncertain significance (4). Last evaluated 2026-04-01.

Conditions:
Inborn genetic diseases. Identifiers: MedGen C0950123, MeSH D030342.
Episodic kinesigenic dyskinesia (EKD). Also called: Paroxysmal kinesigenic dyskinesia. Identifiers: Orphanet 98809, MedGen C1868682, MONDO:0044202.

Allele frequency attached by ClinVar (database versions not stated): gnomAD exomes 0.00001; TOPMed 0.00001.

Submissions (4):

CeGaT Center for Human Genetics Tuebingen
Classification: Uncertain significance. Last evaluated: 2026-04-01. Review status: criteria provided, single submitter. Criteria: CeGaT Center For Human Genetics Tuebingen Variant Classification Criteria Version 2. Collection method: clinical testing. Allele origin: germline. Affected: yes. Observed: 1 variant allele.
Comment: PRRT2: PM2, BP4

Labcorp Genetics (formerly Invitae), Labcorp
Classification: Uncertain significance for Episodic kinesigenic dyskinesia. Last evaluated: 2025-07-06. Review status: criteria provided, single submitter. Criteria: Invitae Variant Classification Sherloc (09022015). Collection method: clinical testing. Allele origin: germline.
Comment: This sequence change replaces glycine, which is neutral and non-polar, with glutamic acid, which is acidic and polar, at codon 24 of the PRRT2 protein (p.Gly24Glu). This variant is present in population databases (rs201267591, gnomAD 0.002%). This variant has not been reported in the literature in individuals affected with PRRT2-related conditions. ClinVar contains an entry for this variant (Variation ID: 2146230). Invitae Evidence Modeling of protein sequence and biophysical properties (such as structural, functional, and spatial information, amino acid conservation, physicochemical variation, residue mobility, and thermodynamic stability) indicates that this missense variant is not expected to disrupt PRRT2 protein function with a negative predictive value of 95%. In summary, the available evidence is currently insufficient to determine the role of this variant in disease. Therefore, it has been classified as a Variant of Uncertain Significance.

Revvity Omics, Revvity
Classification: Uncertain significance. Last evaluated: 2025-02-06. Review status: criteria provided, single submitter. Criteria: ACMG Guidelines, 2015. Collection method: clinical testing. Allele origin: germline.

Ambry Genetics
Classification: Uncertain significance for Inborn genetic diseases. Last evaluated: 2024-12-10. Review status: criteria provided, single submitter. Criteria: Ambry Variant Classification Scheme 2023. Collection method: clinical testing. Allele origin: germline.